The following is an entry in ClinVar:

NM_007294.4(BRCA1):c.212+7A>C

Gene: BRCA1 (BRCA1 DNA repair associated; minus strand). Cytogenetic location: 17q21.31.
Variant type: single nucleotide variant.
Coding change: c.212+7A>C on transcript NM_007294.4 (MANE Select); 7 bases into the intron after coding-DNA position 212, A replaced by C.
Molecular consequence: intron variant.
Genome position (GRCh38, 1-based): chr17:43,106,449, T>G on the plus strand (A>C on the coding strand, the complement: BRCA1 is on the minus strand). VCF-style: chr17-43106449-T-G. GRCh37 (hg19) VCF-style: chr17-41258466-T-G.
Other names: c.71+7A>C (NM_001408458.1, NM_001407931.1, NM_001407747.1 and 99 more transcripts); c.-218-11589A>C (NM_001407967.1, NM_001407966.1); c.-169-1493A>C (NM_001407959.1, NM_001407962.1, NM_001408512.1 and 4 more transcripts); c.2+29A>C (NM_001407885.1, NM_001407886.1, NM_001407898.1 and 58 more transcripts); c.212+7A>C (NM_001407686.1, NM_001408397.1, NM_001407632.1 and 167 more transcripts); c.81-1493A>C (NM_001408451.1); c.135-1493A>C (NM_001408475.1, NM_001407875.1, NM_001407659.1 and 21 more transcripts).
Identifiers: ClinVar variation 868794 (VCV000868794.3), dbSNP rs762526216, ClinGen allele CA916080871.

Conditions:
Breast-ovarian cancer, familial, susceptibility to, 1 (BROVCA1). Also called: BRCA1 Hereditary Breast and Ovarian Cancer; OVARIAN CANCER, SUSCEPTIBILITY TO. Identifiers: Orphanet 145, MedGen C2676676, MONDO:0011450, OMIM 604370. Disease mechanism: loss of function.

Submission:

Brotman Baty Institute, University of Washington
No classification provided (evidence only). Condition: Breast-ovarian cancer, familial 1. Review status: no classification provided. Collection method: in vitro. Allele origin: not applicable. Functional consequence: functionally_normal.
ClinVar note: "not provided" was previously submitted as the classification for the variant. However, the classification appeared to be based only on an observation of functional data so it was converted to no classification on 2025-07-30.